The following is an entry in ClinVar:

NM_001372078.1(REV3L):c.4004A>G (p.Asn1335Ser)

Gene: REV3L (REV3 like, DNA directed polymerase zeta catalytic subunit; minus strand). Cytogenetic location: 6q21.
Variant type: single nucleotide variant.
Coding change: c.4004A>G on transcript NM_001372078.1 (MANE Select); coding-DNA position 4004, A replaced by G.
Protein change: p.Asn1335Ser; replaces asparagine 1335 with serine.
Molecular consequence: missense variant.
Genome position (GRCh38, 1-based): chr6:111,374,351, T>C on the plus strand (A>G on the coding strand, the complement: REV3L is on the minus strand). VCF-style: chr6-111374351-T-C. GRCh37 (hg19) VCF-style: chr6-111695554-T-C.
Other names: c.3770A>G, p.Asn1257Ser (NM_001286431.2, NM_001286432.2); c.4004A>G, p.Asn1335Ser (NM_002912.5); short protein forms N1257S, N1335S.
Identifiers: ClinVar variation 709769 (VCV000709769.6), dbSNP rs141825447, ClinGen allele CA3962098.

ClinVar aggregate classification (germline): Likely benign. Review status: criteria provided, single submitter (1 of 4 stars). 2 submissions from 2 submitters: Likely benign (1). 1 of the submissions does not count toward it. Last evaluated 2019-12-31.

Conditions:
REV3L-related disorder. Also called: REV3L-related condition.

Allele frequency attached by ClinVar (database versions not stated): 1000 Genomes Project 30x 0.00016; 1000 Genomes Project 0.00020; ESP Exome Variant Server 0.00046; TOPMed 0.00055; gnomAD 0.00070 and 0.00071; gnomAD exomes 0.00071 and 0.00076; ExAC 0.00077.
gnomAD v4.1: 1,120 of 1,614,026 alleles (0.069%); highest among the groups gnomAD compares: Middle Eastern, 0.15%; 2 homozygotes.

Submissions (2):

Labcorp Genetics (formerly Invitae), Labcorp
Classification: Likely benign. Last evaluated: 2019-12-31. Review status: criteria provided, single submitter. Criteria: Invitae Variant Classification Sherloc (09022015). Collection method: clinical testing. Allele origin: germline.

PreventionGenetics, part of Exact Sciences
Classification: Likely benign for REV3L-related condition. Last evaluated: 2023-02-16. Review status: no assertion criteria provided. Collection method: clinical testing. Allele origin: germline. Not counted in ClinVar's aggregate classification.
Comment: This variant is classified as likely benign based on ACMG/AMP sequence variant interpretation guidelines (Richards et al. 2015 PMID: 25741868, with internal and published modifications).